The following is an entry in ClinVar:

NM_000760.4(CSF3R):c.78C>A (p.Cys26Ter)

Gene: CSF3R (colony stimulating factor 3 receptor; minus strand). Cytogenetic location: 1p34.3.
Variant type: single nucleotide variant.
Coding change: c.78C>A on transcript NM_000760.4 (MANE Select); coding-DNA position 78, C replaced by A.
Protein change: p.Cys26Ter; replaces cysteine 26 with a stop codon.
Molecular consequence: nonsense.
Genome position (GRCh38, 1-based): chr1:36,475,660, G>T on the plus strand (C>A on the coding strand, the complement: CSF3R is on the minus strand). VCF-style: chr1-36475660-G-T. GRCh37 (hg19) VCF-style: chr1-36941261-G-T.
Other names: c.78C>A, p.Cys26Ter (NM_156039.3, NM_172313.3); short protein forms C26*.
Identifiers: ClinVar variation 1416044 (VCV001416044.6), dbSNP rs767458386, ClinGen allele CA339425239.

ClinVar aggregate classification (germline): Pathogenic (1 of 4 stars; one submission).

Conditions:
Autosomal recessive severe congenital neutropenia due to CSF3R deficiency. Also called: Neutropenia, severe congenital, 7, autosomal recessive. Identifiers: Orphanet 420702, MedGen C4310764, MONDO:0014865, OMIM 617014.

gnomAD v4.1: 2 of 1,606,974 alleles (0.00012%); highest among the groups gnomAD compares: Non-Finnish European, 0.00017%; no homozygotes.

Submission:

Labcorp Genetics (formerly Invitae), Labcorp
Classification: Pathogenic for Autosomal recessive severe congenital neutropenia due to CSF3R deficiency. Last evaluated: 2025-10-21. Review status: criteria provided, single submitter. Criteria: Invitae Variant Classification Sherloc (09022015). Collection method: clinical testing. Allele origin: germline.
Comment: This sequence change creates a premature translational stop signal (p.Cys26*) in the CSF3R gene. It is expected to result in an absent or disrupted protein product. Loss-of-function variants in CSF3R are known to be pathogenic (PMID: 24753537, 26324699). This variant is present in population databases (no rsID available, gnomAD 0.0009%). This variant has not been reported in the literature in individuals affected with CSF3R-related conditions. ClinVar contains an entry for this variant (Variation ID: 1416044). For these reasons, this variant has been classified as Pathogenic.

Literature cited by the submitters: PubMed 24753537; PubMed 26324699.